The following is an entry in ClinVar:

NM_015046.7(SETX):c.2218ATA[1] (p.Ile741del)

Gene: SETX (senataxin; minus strand). Cytogenetic location: 9q34.13.
Variant type: Microsatellite.
Coding change: c.2218ATA[1] on transcript NM_015046.7 (MANE Select); one copy of the 3-base unit ATA starting at c.2218; the reference has two copies in a row; one copy, 3 bases deleted.
Protein change: p.Ile741del; deletes isoleucine 741.
Genome position (GRCh38, 1-based): chr9:132,329,375-132,329,377, TAT deleted on the plus strand (ATA on the coding strand, the reverse complement: SETX is on the minus strand); deleting any 3 consecutive bases within chr9:132,329,375-132,329,381 gives the same sequence; the position shown is the placement nearest the transcript's 3' end. VCF-style (leftmost placement, unchanged base first): chr9-132329374-CTAT-C. GRCh37 (hg19) VCF-style: chr9-135204761-CTAT-C.
Other names: c.2218ATA[1], p.Ile741del (NM_001351527.2, NM_001351528.2); short protein forms I741del.
Identifiers: ClinVar variation 4794075 (VCV004794075.2).

ClinVar aggregate classification (germline): Uncertain significance. Review status: criteria provided, multiple submitters, no conflicts (2 of 4 stars). 2 submissions from 2 submitters: Uncertain significance (2). Last evaluated 2025-04-27.

Conditions:
Amyotrophic lateral sclerosis type 4 (ALS4). Also called: AMYOTROPHIC LATERAL SCLEROSIS 4, JUVENILE; NEURONOPATHY, DISTAL HEREDITARY MOTOR, WITH PYRAMIDAL FEATURES. Identifiers: Orphanet 357043, MedGen C1865409, MONDO:0011223, OMIM 602433.
Spinocerebellar ataxia, autosomal recessive, with axonal neuropathy 2 (SCAN2). Also called: ATAXIA-OCULOMOTOR APRAXIA 2; Ataxia-ocular apraxia-2; Ataxia with Oculomotor Apraxia; Ataxia with Oculomotor Apraxia Type 2. Identifiers: Orphanet 64753, MedGen C1853761, MONDO:0018996, OMIM 606002.

Submissions (2):

Labcorp Genetics (formerly Invitae), Labcorp
Classification: Uncertain significance for Amyotrophic lateral sclerosis type 4; Spinocerebellar ataxia, autosomal recessive, with axonal neuropathy 2. Last evaluated: 2025-04-27. Review status: criteria provided, single submitter. Criteria: Invitae Variant Classification Sherloc (09022015). Collection method: clinical testing. Allele origin: germline.
Comment: This variant, c.2221_2223del, results in the deletion of 1 amino acid(s) of the SETX protein (p.Ile741del), but otherwise preserves the integrity of the reading frame. This variant is not present in population databases (gnomAD no frequency). This variant has not been reported in the literature in individuals affected with SETX-related conditions. Experimental studies and prediction algorithms are not available or were not evaluated, and the functional significance of this variant is currently unknown. In summary, the available evidence is currently insufficient to determine the role of this variant in disease. Therefore, it has been classified as a Variant of Uncertain Significance.

Blueprint Genetics
Classification: Uncertain significance. Last evaluated: 2021-11-15. Review status: criteria provided, single submitter. Criteria: ACMG Guidelines, 2015. Collection method: clinical testing. Allele origin: germline.